The following is an entry in ClinVar:

NM_006904.7(PRKDC):c.2234T>A (p.Val745Asp)

Gene: PRKDC (protein kinase, DNA-activated, catalytic subunit; minus strand). Cytogenetic location: 8q11.21.
Variant type: single nucleotide variant.
Coding change: c.2234T>A on transcript NM_006904.7 (MANE Select); coding-DNA position 2234, T replaced by A.
Protein change: p.Val745Asp; replaces valine 745 with aspartic acid.
Molecular consequence: missense variant.
Genome position (GRCh38, 1-based): chr8:47,927,796, A>T on the plus strand (T>A on the coding strand, the complement: PRKDC is on the minus strand). VCF-style: chr8-47927796-A-T. GRCh37 (hg19) VCF-style: chr8-48840356-A-T.
Other names: c.2234T>A, p.Val745Asp (NM_001081640.2); short protein forms V745D.
Identifiers: ClinVar variation 2564514 (VCV002564514.2), dbSNP rs2090178123, ClinGen allele CA371162485.
Genomic context (GRCh38, chr8:47,927,796, plus strand): 5'-GATGAAGAGATGGCTCTGTTCAAGACAACGCCTACCTGCAGTGCAGGAACGTAGGCTCTA[A>T]CATCGAGTTCAATGATGTTGTGTGGCAAGGACAGAAGAAAGGTCAAACAAGAGGCCAAAA-3'
Protein context (NP_008835.5, residues 735-755): SLPHNIIELD[Val745Asp]RAYVPALQMA

ClinVar aggregate classification (germline): Uncertain significance (1 of 4 stars; one submission).

Allele frequency attached by ClinVar (database versions not stated): gnomAD exomes below 0.00001.

Submission:

Ambry Genetics
Classification: Uncertain significance. Last evaluated: 2023-04-07. Review status: criteria provided, single submitter. Criteria: Ambry Variant Classification Scheme 2023. Collection method: clinical testing. Allele origin: germline.
Comment: The p.V745D variant (also known as c.2234T>A), located in coding exon 20 of the PRKDC gene, results from a T to A substitution at nucleotide position 2234. The valine at codon 745 is replaced by aspartic acid, an amino acid with highly dissimilar properties. This amino acid position is conserved. In addition, this alteration is predicted to be tolerated by in silico analysis. Since supporting evidence is limited at this time, the clinical significance of this alteration remains unclear.